The following is an entry in ClinVar:

NM_001039348.3(EFEMP1):c.1368A>G (p.Ser456=)

Gene: EFEMP1 (EGF-like fibulin extracellular matrix protein 1; minus strand). Cytogenetic location: 2p16.1.
Variant type: single nucleotide variant.
Coding change: c.1368A>G on transcript NM_001039348.3 (MANE Select); coding-DNA position 1368, A replaced by G.
Protein change: p.Ser456=; no amino-acid change (serine 456 retained).
Molecular consequence: synonymous variant.
Genome position (GRCh38, 1-based): chr2:55,867,187, T>C on the plus strand (A>G on the coding strand, the complement: EFEMP1 is on the minus strand). VCF-style: chr2-55867187-T-C. GRCh37 (hg19) VCF-style: chr2-56094322-T-C.
Other names: c.1368A>G (NM_001039348.2); c.1368A>G, p.Ser456= (NM_001039349.3).
Identifiers: ClinVar variation 1117213 (VCV001117213.11), dbSNP rs149616551, ClinGen allele CA1668689.
Genomic context (GRCh38, chr2:55,867,187, plus strand): 5'-GAAGGTCCCTATACTGCTGACTGTCAGCATCTCCAGGTCCACGATATGTTCTCTTGGTCC[T>C]GATAATGACTTCACGAGCACAAGCATTGCACTTACAGGACTTGTTTGCTAAAATAAAAGA-3'
Protein context (NP_001034437.1, residues 446-466): SAMLVLVKSL[Ser456=]GPREHIVDLE

ClinVar aggregate classification (germline): Likely benign. Review status: criteria provided, multiple submitters, no conflicts (2 of 4 stars). 3 submissions from 3 submitters: Likely benign (3). Last evaluated 2025-12-22.

Conditions:
EFEMP1-related disorder. Also called: EFEMP1-related condition.

Allele frequency attached by ClinVar (database versions not stated): ESP Exome Variant Server 0.00015; gnomAD exomes 0.00018 and 0.00019; gnomAD 0.00020 and 0.00021; TOPMed 0.00022; ExAC 0.00028.
gnomAD v4.1: 311 of 1,613,918 alleles (0.019%); highest among the groups gnomAD compares: Admixed American, 0.053%; no homozygotes.

Submissions (3):

Labcorp Genetics (formerly Invitae), Labcorp
Classification: Likely benign. Last evaluated: 2025-12-22. Review status: criteria provided, single submitter. Criteria: Invitae Variant Classification Sherloc (09022015). Collection method: clinical testing. Allele origin: germline.

PreventionGenetics, part of Exact Sciences
Classification: Likely benign for EFEMP1-related condition. Last evaluated: 2025-07-21. Review status: criteria provided, single submitter. Criteria: ACMG Guidelines, 2015. Collection method: clinical testing. Allele origin: germline.
Comment: This variant is classified as likely benign based on ACMG/AMP sequence variant interpretation guidelines (Richards et al. 2015 PMID: 25741868, with internal and published modifications).

Blueprint Genetics
Classification: Likely benign. Last evaluated: 2024-10-28. Review status: criteria provided, single submitter. Criteria: ACMG Guidelines, 2015. Collection method: clinical testing. Allele origin: germline.